The following is an entry in ClinVar:

NM_152641.4(ARID2):c.4585G>A (p.Gly1529Arg)

Gene: ARID2 (AT-rich interaction domain 2; plus strand). Cytogenetic location: 12q12.
Variant type: single nucleotide variant.
Coding change: c.4585G>A on transcript NM_152641.4 (MANE Select); coding-DNA position 4585, G replaced by A.
Protein change: p.Gly1529Arg; replaces glycine 1529 with arginine.
Molecular consequence: missense variant.
Genome position (GRCh38, 1-based): chr12:45,852,708, G>A. VCF-style: chr12-45852708-G-A. GRCh37 (hg19) VCF-style: chr12-46246491-G-A.
Other names: c.4585G>A, p.Gly1529Arg (NM_001347839.2); c.4585G>A (NM_152641.3); short protein forms G1529R.
Identifiers: ClinVar variation 3024467 (VCV003024467.3), dbSNP rs200040222, ClinGen allele CA6526694.

ClinVar aggregate classification (germline): Likely benign. Review status: criteria provided, single submitter (1 of 4 stars). 2 submissions from 2 submitters: Likely benign (1). 1 of the submissions does not count toward it. Last evaluated 2024-02-22.

Conditions:
ARID2-related disorder. Also called: ARID2-related condition.
Coffin-Siris syndrome 6. Identifiers: MedGen C4540499, MONDO:0033492, OMIM 617808.

Allele frequency attached by ClinVar (database versions not stated): ESP Exome Variant Server 0.00008; ExAC 0.00016; gnomAD 0.00016; TOPMed 0.00016; gnomAD exomes 0.00032.
gnomAD v4.1: 483 of 1,614,058 alleles (0.03%); highest among the groups gnomAD compares: Non-Finnish European, 0.034%; 1 homozygote.

Submissions (2):

Genetics Department, University Hospital of Angers
Classification: Likely benign for Coffin-Siris syndrome 6. Last evaluated: 2024-02-22. Review status: criteria provided, single submitter. Criteria: ACMG Guidelines, 2015. Collection method: clinical testing. Allele origin: paternal. Affected: no.

PreventionGenetics, part of Exact Sciences
Classification: Likely benign for ARID2-related condition. Last evaluated: 2022-02-18. Review status: no assertion criteria provided. Collection method: clinical testing. Allele origin: germline. Not counted in ClinVar's aggregate classification.
Comment: This variant is classified as likely benign based on ACMG/AMP sequence variant interpretation guidelines (Richards et al. 2015 PMID: 25741868, with internal and published modifications).